The following is an entry in ClinVar:

ClinVar aggregate classification (germline): Uncertain significance (1 of 4 stars; one submission).

Allele frequency attached by ClinVar (database versions not stated): gnomAD 0.00001; gnomAD exomes 0.00001; TOPMed 0.00001.
gnomAD v4.1: 5 of 1,614,052 alleles (0.00031%); highest among the groups gnomAD compares: Non-Finnish European, 0.00034%; no homozygotes.

Submission:

Labcorp Genetics (formerly Invitae), Labcorp
Classification: Uncertain significance. Last evaluated: 2021-08-09. Review status: criteria provided, single submitter. Criteria: Invitae Variant Classification Sherloc (09022015). Collection method: clinical testing. Allele origin: germline.
Comment: This sequence change replaces proline with leucine at codon 1706 of the GPR179 protein (p.Pro1706Leu). The proline residue is moderately conserved and there is a moderate physicochemical difference between proline and leucine. This variant is not present in population databases (ExAC no frequency). This variant has not been reported in the literature in individuals affected with GPR179-related conditions. Algorithms developed to predict the effect of missense changes on protein structure and function are either unavailable or do not agree on the potential impact of this missense change (SIFT: "Deleterious"; PolyPhen-2: "Possibly Damaging"; Align-GVGD: "Class C0"). In summary, the available evidence is currently insufficient to determine the role of this variant in disease. Therefore, it has been classified as a Variant of Uncertain Significance.

NM_001004334.4(GPR179):c.5117C>T (p.Pro1706Leu)

Gene: GPR179 (G protein-coupled receptor 179; minus strand). Cytogenetic location: 17q12.
Variant type: single nucleotide variant.
Coding change: c.5117C>T on transcript NM_001004334.4 (MANE Select); coding-DNA position 5117, C replaced by T.
Protein change: p.Pro1706Leu; replaces proline 1706 with leucine.
Molecular consequence: missense variant.
Genome position (GRCh38, 1-based): chr17:38,328,452, G>A on the plus strand (C>T on the coding strand, the complement: GPR179 is on the minus strand). VCF-style: chr17-38328452-G-A. GRCh37 (hg19) VCF-style: chr17-36484335-G-A.
Other names: short protein forms P1706L.
Identifiers: ClinVar variation 1509548 (VCV001509548.6), dbSNP rs993755165, ClinGen allele CA290103754.